The following is an entry in ClinVar:

ClinVar aggregate classification (germline): Uncertain significance (1 of 4 stars; one submission).

Conditions:
Inborn genetic diseases. Identifiers: MedGen C0950123, MeSH D030342.

Allele frequency attached by ClinVar (database versions not stated): gnomAD 0.00001.
gnomAD v4.1: 3 of 1,614,138 alleles (0.00019%); highest among the groups gnomAD compares: South Asian, 0.0022%; no homozygotes.

Submission:

Ambry Genetics
Classification: Uncertain significance for Inborn genetic diseases. Last evaluated: 2020-01-16. Review status: criteria provided, single submitter. Criteria: Ambry Variant Classification Scheme 2023. Collection method: clinical testing. Allele origin: germline.
Comment: The p.S667G variant (also known as c.1999A>G), located in coding exon 12 of the TRPV4 gene, results from an A to G substitution at nucleotide position 1999. The serine at codon 667 is replaced by glycine, an amino acid with similar properties. This amino acid position is highly conserved in available vertebrate species. In addition, the in silico prediction for this alteration is inconclusive. Since supporting evidence is limited at this time, the clinical significance of this alteration remains unclear.

NM_021625.5(TRPV4):c.1999A>G (p.Ser667Gly)

Gene: TRPV4 (transient receptor potential cation channel subfamily V member 4; minus strand). Cytogenetic location: 12q24.11.
Variant type: single nucleotide variant.
Coding change: c.1999A>G on transcript NM_021625.5 (MANE Select); coding-DNA position 1999, A replaced by G.
Protein change: p.Ser667Gly; replaces serine 667 with glycine.
Molecular consequence: missense variant.
Genome position (GRCh38, 1-based): chr12:109,788,609, T>C on the plus strand (A>G on the coding strand, the complement: TRPV4 is on the minus strand). VCF-style: chr12-109788609-T-C. GRCh37 (hg19) VCF-style: chr12-110226414-T-C.
Other names: c.1819A>G, p.Ser607Gly (NM_147204.3); c.1858A>G, p.Ser620Gly (NM_001177428.2); c.1897A>G, p.Ser633Gly (NM_001177431.2); c.1678A>G, p.Ser560Gly (NM_001177433.2); short protein forms S607G, S560G, S633G, S620G, S667G.
Identifiers: ClinVar variation 1784105 (VCV001784105.2), dbSNP rs1216148986, ClinGen allele CA386650743.